The following is an entry in ClinVar:

ClinVar aggregate classification (germline): Uncertain significance. Review status: criteria provided, multiple submitters, no conflicts (2 of 4 stars). 2 submissions from 2 submitters: Uncertain significance (2). Last evaluated 2024-01-10.

Conditions:
Tuberous sclerosis 2 (TSC2). Identifiers: Orphanet 805, MedGen C1860707, MONDO:0013199, OMIM 613254.
Hereditary cancer-predisposing syndrome. Also called: Hereditary Cancer Syndrome; Hereditary neoplastic syndrome; Neoplastic Syndromes, Hereditary; Tumor predisposition. Identifiers: Orphanet 140162, MedGen C0027672, MeSH D009386, MONDO:0015356.

Submissions (2):

Ambry Genetics
Classification: Uncertain significance for Hereditary cancer-predisposing syndrome. Last evaluated: 2024-01-10. Review status: criteria provided, single submitter. Criteria: Ambry Variant Classification Scheme 2023. Collection method: clinical testing. Allele origin: germline.
Comment: The p.V391L variant (also known as c.1171G>T), located in coding exon 11 of the TSC2 gene, results from a G to T substitution at nucleotide position 1171. The valine at codon 391 is replaced by leucine, an amino acid with highly similar properties. This amino acid position is well conserved in available vertebrate species. In addition, the in silico prediction for this alteration is inconclusive. Since supporting evidence is limited at this time, the clinical significance of this alteration remains unclear.

Labcorp Genetics (formerly Invitae), Labcorp
Classification: Uncertain significance for Tuberous sclerosis 2. Last evaluated: 2023-03-01. Review status: criteria provided, single submitter. Criteria: Invitae Variant Classification Sherloc (09022015). Collection method: clinical testing. Allele origin: germline.
Comment: This sequence change replaces valine, which is neutral and non-polar, with leucine, which is neutral and non-polar, at codon 391 of the TSC2 protein (p.Val391Leu). This variant is not present in population databases (gnomAD no frequency). This variant has not been reported in the literature in individuals affected with TSC2-related conditions. Advanced modeling of protein sequence and biophysical properties (such as structural, functional, and spatial information, amino acid conservation, physicochemical variation, residue mobility, and thermodynamic stability) performed at Invitae indicates that this missense variant is not expected to disrupt TSC2 protein function. In summary, the available evidence is currently insufficient to determine the role of this variant in disease. Therefore, it has been classified as a Variant of Uncertain Significance.

NM_000548.5(TSC2):c.1171G>T (p.Val391Leu)

Gene: TSC2 (TSC complex subunit 2; plus strand). Cytogenetic location: 16p13.3.
Variant type: single nucleotide variant.
Coding change: c.1171G>T on transcript NM_000548.5 (MANE Select); coding-DNA position 1171, G replaced by T.
Protein change: p.Val391Leu; replaces valine 391 with leucine.
Molecular consequence: missense variant. On other transcripts: 5 prime UTR variant (10), non-coding transcript variant (5).
Genome position (GRCh38, 1-based): chr16:2,061,922, G>T. VCF-style: chr16-2061922-G-T. GRCh37 (hg19) VCF-style: chr16-2111923-G-T.
Other names: c.1171G>T, p.Val391Leu (NM_001077183.3, NM_001114382.3, NM_001363528.2 and 6 more transcripts); c.1060G>T, p.Val354Leu (NM_001318827.2, NM_001406670.1, NM_001406678.1); c.1024G>T, p.Val342Leu (NM_001318829.2, NM_001406679.1, NM_001406675.1 and 1 more transcripts); c.571G>T, p.Val191Leu (NM_001318831.2, NM_001406680.1, NM_001406682.1 and 6 more transcripts); c.1204G>T, p.Val402Leu (NM_001318832.2); c.709G>T, p.Val237Leu (NM_001406681.1); c.-174G>T (NM_001406689.1, NM_001406690.1, NM_001406691.1 and 4 more transcripts); c.-142G>T (NM_001406694.1, NM_001406695.1); and 4 more; short protein forms V402L, V237L, V387L, V391L, V191L, V354L, V342L, V372L.
Identifiers: ClinVar variation 2840325 (VCV002840325.4), dbSNP rs1555501071, ClinGen allele CA394320347.